The following is an entry in ClinVar:

ClinVar aggregate classification (germline): Uncertain significance. Review status: criteria provided, multiple submitters, no conflicts (2 of 4 stars). 2 submissions from 2 submitters: Uncertain significance (2). Last evaluated 2024-01-05.

Conditions:
Maturity-onset diabetes of the young type 1. Also called: MODY type 1; Diabetes mellitus MODY type 1; MODY HNF4A related; HNF4A-Related Maturity-Onset Diabetes of the Young Type 1; MODY, type I; MILD JUVENILE DIABETES MELLITUS. Identifiers: Orphanet 552, MedGen C1852093, MONDO:0007452, OMIM 125850. Disease mechanism: loss of function.
Type 2 diabetes mellitus. Also called: Type II diabetes mellitus. Identifiers: MedGen C0011860, MeSH D003924, MONDO:0005148, OMIM 125853, HP:0005978.
Fanconi renotubular syndrome 4 with maturity-onset diabetes of the young (FRTS4). Also called: FRTS4 WITH MODY. Identifiers: Orphanet 93111, MedGen C4014962, MONDO:0014458, OMIM 616026.

gnomAD v4.1: 4 of 1,613,418 alleles (0.00025%); highest among the groups gnomAD compares: East Asian, 0.0022%; no homozygotes.

Submissions (2):

Fulgent Genetics
Classification: Uncertain significance for Maturity-onset diabetes of the young type 1; Type 2 diabetes mellitus; Fanconi renotubular syndrome 4 with maturity-onset diabetes of the young. Last evaluated: 2024-01-05. Review status: criteria provided, single submitter. Criteria: ACMG Guidelines, 2015. Collection method: clinical testing. Allele origin: germline.

New York Genome Center
Classification: Uncertain significance for Maturity-onset diabetes of the young type 1; Type 2 diabetes mellitus. Last evaluated: 2022-07-01. Review status: criteria provided, single submitter. Criteria: NYGC Assertion Criteria 2020. Collection method: clinical testing. Allele origin: germline. Observed: 2 heterozygotes. Clinical features observed: Hyperlipidemia (HP:0003077), Diabetes mellitus (HP:0000819), Hepatic steatosis (HP:0001397).
Comment: The c.709A>G p.(Met237Val) variant identified in the HNF4A gene substitutes a well conserved Methionine for Valine at amino acid 237/475 (exon 6/10). This variant is found with low frequency in gnomADv2.1.1 (2 heterozygotes, 0 homozygotes; allele frequency:7.978e-6) and is absent from gnomADv3.1.2, BRAVO-TOPMed Freeze 8, and All of Us datasets, suggesting it is not a common benign variant in the populations represented in those databases. In silico algorithms predict this variant to be Pathogenic (REVEL=0.805) to the function of the canonical transcript. This variant is absent from ClinVar and to our current knowledge has not been reported in affected individuals in the literature. Given the lack of compelling evidence for its pathogenicity, the c.709A>Gp.(Met237Val) variant identified in the HNF4A gene is reported as a Variant of Uncertain Significance.

NM_175914.5(HNF4A):c.643A>G (p.Met215Val)

Gene: HNF4A (hepatocyte nuclear factor 4 alpha; plus strand). Cytogenetic location: 20q13.12.
Variant type: single nucleotide variant.
Coding change: c.643A>G on transcript NM_175914.5 (MANE Select); coding-DNA position 643, A replaced by G.
Protein change: p.Met215Val; replaces methionine 215 with valine.
Molecular consequence: missense variant.
Genome position (GRCh38, 1-based): chr20:44,418,485, A>G. VCF-style: chr20-44418485-A-G. GRCh37 (hg19) VCF-style: chr20-43047125-A-G.
Other names: c.709A>G, p.Met237Val (NM_000457.6, NM_178849.3, NM_178850.3); c.643A>G, p.Met215Val (NM_001030003.3, NM_001030004.3); c.688A>G, p.Met230Val (NM_001258355.2); c.634A>G, p.Met212Val (NM_001287182.2, NM_001287183.2, NM_001287184.2); short protein forms M212V, M215V, M230V, M237V.
Identifiers: ClinVar variation 1803834 (VCV001803834.4), dbSNP rs1381499581, ClinGen allele CA409106964.